The following is an entry in ClinVar:

NM_018896.5(CACNA1G):c.6347A>C (p.Lys2116Thr)

Gene: CACNA1G (calcium voltage-gated channel subunit alpha1 G; plus strand). Cytogenetic location: 17q21.33.
Variant type: single nucleotide variant.
Coding change: c.6347A>C on transcript NM_018896.5 (MANE Select); coding-DNA position 6347, A replaced by C.
Protein change: p.Lys2116Thr; replaces lysine 2116 with threonine.
Molecular consequence: missense variant. On other transcripts: non-coding transcript variant (5).
Genome position (GRCh38, 1-based): chr17:50,624,477, A>C. VCF-style: chr17-50624477-A-C. GRCh37 (hg19) VCF-style: chr17-48701838-A-C.
Other names: c.6158A>C, p.Lys2053Thr (NM_001256324.2); c.6089A>C, p.Lys2030Thr (NM_001256325.2); c.6077A>C, p.Lys2026Thr (NM_001256326.2); c.6047A>C, p.Lys2016Thr (NM_001256327.2); c.5993A>C, p.Lys1998Thr (NM_001256328.2); c.5966A>C, p.Lys1989Thr (NM_001256329.2, NM_198376.3, NM_198387.3); c.5933A>C, p.Lys1978Thr (NM_001256330.2); c.5912A>C, p.Lys1971Thr (NM_001256331.2); and 15 more; short protein forms K1966T, K1971T, K1978T, K1982T, K1985T, K1987T, K1989T, K1996T.
Identifiers: ClinVar variation 1314366 (VCV001314366.2), dbSNP rs2053150926, ClinGen allele CA400270441.

ClinVar aggregate classification (germline): Uncertain significance (1 of 4 stars; one submission).

Submission:

GeneDx
Classification: Uncertain significance. Last evaluated: 2021-04-09. Review status: criteria provided, single submitter. Criteria: GeneDx Variant Classification Process June 2021. Collection method: clinical testing. Allele origin: germline. Affected: yes.
Comment: Not observed in large population cohorts (Lek et al., 2016); In silico analysis supports that this missense variant has a deleterious effect on protein structure/function; Has not been previously published as pathogenic or benign to our knowledge